The following is an entry in ClinVar:

NM_002936.6(RNASEH1):c.849A>G (p.Gln283=)

Gene: RNASEH1 (ribonuclease H1; minus strand). Cytogenetic location: 2p25.3.
Variant type: single nucleotide variant.
Coding change: c.849A>G on transcript NM_002936.6 (MANE Select); coding-DNA position 849, A replaced by G.
Protein change: p.Gln283=; no amino-acid change (glutamine 283 retained).
Molecular consequence: synonymous variant. On other transcripts: 3 prime UTR variant (1), non-coding transcript variant (7).
Genome position (GRCh38, 1-based): chr2:3,545,797, T>C on the plus strand (A>G on the coding strand, the complement: RNASEH1 is on the minus strand). VCF-style: chr2-3545797-T-C. GRCh37 (hg19) VCF-style: chr2-3593387-T-C.
Other names: c.771A>G, p.Gln257= (NM_001286834.3); c.498A>G, p.Gln166= (NM_001286837.3); c.*44A>G (NM_001378271.1); c.846A>G, p.Gln282= (NM_001378272.1); c.834A>G, p.Gln278= (NM_001378273.1).
Identifiers: ClinVar variation 3389184 (VCV003389184.14).

ClinVar aggregate classification (germline): Likely benign (1 of 4 stars; one submission).

gnomAD v4.1: 29 of 1,613,094 alleles (0.0018%); highest among the groups gnomAD compares: Non-Finnish European, 0.0023%; no homozygotes.

Submission:

CeGaT Center for Human Genetics Tuebingen
Classification: Likely benign. Last evaluated: 2024-10-01. Review status: criteria provided, single submitter. Criteria: CeGaT Center For Human Genetics Tuebingen Variant Classification Criteria Version 2. Collection method: clinical testing. Allele origin: germline. Affected: yes. Observed: 1 variant allele.
Comment: RNASEH1: BP4, BP7